The following is an entry in ClinVar:

NM_001001937.2(ATP5F1A):c.-48-380C>G

Genes: ATP5F1A (ATP synthase F1 subunit alpha; minus strand), LOC126862738 (BRD4-independent group 4 enhancer GRCh37_chr18:43677662-43678861; plus strand). Cytogenetic location: 18q21.1.
Variant type: single nucleotide variant.
Coding change: c.-48-380C>G on transcript NM_001001937.2; 380 bases into the intron before 48 bases upstream of the start codon, C replaced by G.
Molecular consequence: intron variant.
Genome position (GRCh38, 1-based): chr18:46,098,659, G>C on the plus strand (C>G on the coding strand, the complement: ATP5F1A is on the minus strand). VCF-style: chr18-46098659-G-C. GRCh37 (hg19) VCF-style: chr18-43678625-G-C.
Identifiers: ClinVar variation 683319 (VCV000683319.3), dbSNP rs9962458, ClinGen allele CA14534886.

ClinVar aggregate classification (germline): Benign (1 of 4 stars; one submission).

Allele frequency attached by ClinVar (database versions not stated): 1000 Genomes Project 0.23862; 1000 Genomes Project 30x 0.24032; TOPMed 0.30399; gnomAD 0.32186 and 0.32095.

Submission:

GeneDx
Classification: Benign. Last evaluated: 2018-06-14. Review status: criteria provided, single submitter. Criteria: GeneDx Variant Classification (06012015). Collection method: clinical testing. Allele origin: germline. Affected: yes.
Comment: This variant is considered likely benign or benign based on one or more of the following criteria: it is a conservative change, it occurs at a poorly conserved position in the protein, it is predicted to be benign by multiple in silico algorithms, and/or has population frequency not consistent with disease.